The following is an entry in ClinVar:

NM_004415.4(DSP):c.8372G>A (p.Arg2791His)

Gene: DSP (desmoplakin; plus strand). Cytogenetic location: 6p24.3.
Variant type: single nucleotide variant.
Coding change: c.8372G>A on transcript NM_004415.4 (MANE Select); coding-DNA position 8372, G replaced by A.
Protein change: p.Arg2791His; replaces arginine 2791 with histidine.
Molecular consequence: missense variant.
Genome position (GRCh38, 1-based): chr6:7,585,634, G>A. VCF-style: chr6-7585634-G-A. GRCh37 (hg19) VCF-style: chr6-7585867-G-A.
Other names: c.6575G>A, p.Arg2192His (NM_001008844.3); c.7043G>A, p.Arg2348His (NM_001319034.2); short protein forms R2192H, R2791H, R2348H.
Identifiers: ClinVar variation 667230 (VCV000667230.12), dbSNP rs749339594, ClinGen allele CA052149.

ClinVar aggregate classification (germline): Conflicting classifications of pathogenicity. Review status: criteria provided, conflicting classifications (1 of 4 stars). 5 submissions from 5 submitters: Uncertain significance (4); Likely benign (1). Last evaluated 2025-12-22.

Conditions:
Cardiovascular phenotype. Identifiers: MedGen CN230736.
Arrhythmogenic cardiomyopathy with wooly hair and keratoderma. Also called: PALMOPLANTAR KERATODERMA WITH LEFT VENTRICULAR CARDIOMYOPATHY AND WOOLLY HAIR; Arrhythmogenic cardiomyopathy with woolly hair and keratoderma; Dilated cardiomyopathy with woolly hair and keratoderma; Carvajal syndrome. Identifiers: Orphanet 65282, MedGen C1854063, MONDO:0011581, OMIM 605676.
Arrhythmogenic right ventricular dysplasia 8 (ARVD8). Also called: ARRHYTHMOGENIC RIGHT VENTRICULAR DYSPLASIA, FAMILIAL, 8; ARRHYTHMOGENIC RIGHT VENTRICULAR CARDIOMYOPATHY 8; Arrhythmogenic Right Ventricular Dysplasia/Cardiomyopathy 8. Identifiers: MedGen C1843896, MONDO:0011831, OMIM 607450.
Cardiomyopathy (CMYO). Also called: Cardiomyopathies. Identifiers: Orphanet 167848, MedGen C0878544, MONDO:0004994, HP:0001638. Inheritance: Various modes of inheritance.

Allele frequency attached by ClinVar (database versions not stated): TOPMed below 0.00001; ExAC 0.00001; gnomAD exomes 0.00001 and 0.00002.
gnomAD v4.1: 27 of 1,614,144 alleles (0.0017%); highest among the groups gnomAD compares: Non-Finnish European, 0.0022%; no homozygotes.

Submissions (5):

Labcorp Genetics (formerly Invitae), Labcorp
Classification: Likely benign for Arrhythmogenic cardiomyopathy with wooly hair and keratoderma; Arrhythmogenic right ventricular dysplasia 8. Last evaluated: 2025-12-22. Review status: criteria provided, single submitter. Criteria: Invitae Variant Classification Sherloc (09022015). Collection method: clinical testing. Allele origin: germline.

Ambry Genetics
Classification: Uncertain significance for Cardiovascular phenotype. Last evaluated: 2025-06-16. Review status: criteria provided, single submitter. Criteria: Ambry Variant Classification Scheme 2023. Collection method: clinical testing. Allele origin: germline.
Comment: The p.R2791H variant (also known as c.8372G>A), located in coding exon 24 of the DSP gene, results from a G to A substitution at nucleotide position 8372. The arginine at codon 2791 is replaced by histidine, an amino acid with highly similar properties. This amino acid position is conserved. In addition, the in silico prediction for this alteration is inconclusive. Since supporting evidence is limited at this time, the clinical significance of this alteration remains unclear.

Women's Health and Genetics/Laboratory Corporation of America, LabCorp
Classification: Uncertain significance. Last evaluated: 2025-03-31. Review status: criteria provided, single submitter. Criteria: LabCorp Variant Classification Summary - May 2015. Collection method: clinical testing. Allele origin: germline.
Comment: Variant summary: DSP c.8372G>A (p.Arg2791His) results in a non-conservative amino acid change located in the Plectin repeat (IPR001101) of the encoded protein sequence. Four of five in-silico tools predict a damaging effect of the variant on protein function. The variant allele was found at a frequency of 8e-06 in 251428 control chromosomes. The available data on variant occurrences in the general population are insufficient to allow any conclusion about variant significance. To our knowledge, no occurrence of c.8372G>A in individuals affected with Arrhythmogenic Right Ventricular Dysplasia/Cardiomyopathy and no experimental evidence demonstrating its impact on protein function have been reported. ClinVar contains an entry for this variant (Variation ID: 667230). Based on the evidence outlined above, the variant was classified as uncertain significance.

Color Diagnostics, LLC DBA Color Health
Classification: Uncertain significance for Cardiomyopathy. Last evaluated: 2024-03-06. Review status: criteria provided, single submitter. Criteria: ACMG Guidelines, 2015. Collection method: clinical testing. Allele origin: germline.
Comment: This missense variant replaces arginine with histidine at codon 2791 of the DSP protein. Computational prediction is inconclusive regarding the impact of this variant on protein structure and function (internally defined REVEL score threshold 0.5 < inconclusive < 0.7, PMID: 27666373). To our knowledge, functional studies have not been reported for this variant. This variant has not been reported in individuals affected with cardiovascular disorders in the literature. This variant has been identified in 2/251428 chromosomes in the general population by the Genome Aggregation Database (gnomAD). The available evidence is insufficient to determine the role of this variant in disease conclusively. Therefore, this variant is classified as a Variant of Uncertain Significance.

Laboratory for Molecular Medicine, Mass General Brigham Personalized Medicine
Classification: Uncertain significance. Last evaluated: 2018-04-06. Review status: criteria provided, single submitter. Criteria: LMM Criteria. Collection method: clinical testing. Allele origin: germline. Observed: 1 variant allele.
Comment: The p.Arg2791His variant in DSP has not been previously reported in individuals with clinical features of cardiomyopathy, but has been identified in 2/246228 ch romosomes by the Genome Aggregation Database (gnomAD; dbSNP rs74939594). Computational prediction tools and conservation analy sis do not provide strong support for or against an impact to the protein. In su mmary, the clinical significance of the p.Arg2791His variant is uncertain. ACMG/ AMP Criteria applied: PM2